The following is an entry in ClinVar:

ClinVar aggregate classification (germline): Pathogenic/Likely pathogenic. Review status: criteria provided, multiple submitters, no conflicts (2 of 4 stars). 4 submissions from 4 submitters: Pathogenic (2); Likely pathogenic (2). Last evaluated 2024-12-23.

Conditions:
Developmental and epileptic encephalopathy, 27 (DEE27). Also called: Epileptic encephalopathy, early infantile, 27; GRIN2B-Related Neurodevelopmental Disorder. Identifiers: Orphanet 3451, MedGen C4015316, MONDO:0014505, OMIM 616139.
GRIN2B-related disorder. Also called: GRIN2B-related condition.
Intellectual developmental disorder, autosomal dominant 6, with or without seizures. Also called: GRIN2B-related developmental delay, intellectual disability and autism spectrum disorder; Intellectual disability, autosomal dominant 6. Identifiers: Orphanet 589547, MedGen C3151411, MONDO:0013509, OMIM 613970.

Submissions (4):

GeneDx
Classification: Pathogenic. Last evaluated: 2024-12-23. Review status: criteria provided, single submitter. Criteria: GeneDx Variant Classification Process June 2021. Collection method: clinical testing. Allele origin: germline. Affected: yes.
Comment: Previously reported in an individual with intellectual disability and epilepsy; however, parental testing was not performed (PMID: 27353043); Published functional studies demonstrate a damaging effect on NMDAR function (PMID: 37369021); Not observed at significant frequency in large population cohorts (gnomAD); In silico analysis supports that this missense variant has a deleterious effect on protein structure/function; This variant is associated with the following publications: (PMID: 27839871, 27353043, 37369021)

Labcorp Genetics (formerly Invitae), Labcorp
Classification: Pathogenic for Developmental and epileptic encephalopathy, 27; Intellectual developmental disorder, autosomal dominant 6, with or without seizures. Last evaluated: 2022-08-02. Review status: criteria provided, single submitter. Criteria: Invitae Variant Classification Sherloc (09022015). Collection method: clinical testing. Allele origin: germline.
Comment: This sequence change replaces glycine, which is neutral and non-polar, with aspartic acid, which is acidic and polar, at codon 533 of the GRIN2B protein (p.Gly533Asp). This variant is not present in population databases (gnomAD no frequency). This missense change has been observed in individual(s) with clinical features of GRIN2B-related conditions (PMID: 27353043; Invitae). In at least one individual the variant was observed to be de novo. ClinVar contains an entry for this variant (Variation ID: 397525). For these reasons, this variant has been classified as Pathogenic. Advanced modeling of protein sequence and biophysical properties (such as structural, functional, and spatial information, amino acid conservation, physicochemical variation, residue mobility, and thermodynamic stability) performed at Invitae indicates that this missense variant is expected to disrupt GRIN2B protein function.

Blueprint Genetics
Classification: Likely pathogenic for GRIN2B-related disorders. Last evaluated: 2022-06-22. Review status: criteria provided, single submitter. Criteria: ACMG Guidelines, 2015. Collection method: clinical testing. Allele origin: germline. Affected: yes. Observed: 1 variant allele.

Center of Genomic medicine, Geneva, University Hospital of Geneva
Classification: Likely pathogenic for Developmental and epileptic encephalopathy, 27. Last evaluated: 2014-09-22. Review status: criteria provided, single submitter. Criteria: MacArthur et al. (Nature 2014). Collection method: clinical testing. Allele origin: germline. Affected: yes.

Literature cited by the submitters: PubMed 27353043 (cited by Labcorp Genetics (formerly Invitae), Labcorp).

NM_000834.5(GRIN2B):c.1598G>A (p.Gly533Asp)

Gene: GRIN2B (glutamate ionotropic receptor NMDA type subunit 2B; minus strand). Cytogenetic location: 12p13.1.
Variant type: single nucleotide variant.
Coding change: c.1598G>A on transcript NM_000834.5 (MANE Select); coding-DNA position 1598, G replaced by A.
Protein change: p.Gly533Asp; replaces glycine 533 with aspartic acid.
Molecular consequence: missense variant.
Genome position (GRCh38, 1-based): chr12:13,615,170, C>T on the plus strand (G>A on the coding strand, the complement: GRIN2B is on the minus strand). VCF-style: chr12-13615170-C-T. GRCh37 (hg19) VCF-style: chr12-13768104-C-T.
Other names: short protein forms G533D.
Identifiers: ClinVar variation 397525 (VCV000397525.9), dbSNP rs1060499659, ClinGen allele CA16609402.